The following is an entry in ClinVar:

NM_015909.4(NBAS):c.209+10C>T

Gene: NBAS (NBAS subunit of NRZ tethering complex; minus strand). Cytogenetic location: 2p24.3.
Variant type: single nucleotide variant.
Coding change: c.209+10C>T on transcript NM_015909.4 (MANE Select); 10 bases into the intron after coding-DNA position 209, C replaced by T.
Molecular consequence: intron variant.
Genome position (GRCh38, 1-based): chr2:15,556,773, G>A on the plus strand (C>T on the coding strand, the complement: NBAS is on the minus strand). VCF-style: chr2-15556773-G-A. GRCh37 (hg19) VCF-style: chr2-15696897-G-A.
Other names: c.209+10C>T (NM_015909.3).
Identifiers: ClinVar variation 3003582 (VCV003003582.4), dbSNP rs746966054, ClinGen allele CA1537176.
Genomic context (GRCh38, chr2:15,556,773, plus strand): 5'-AAATCATATATAGAACAATATTGTTTATATTTGATGTTCATACTGTTTCTCTGAAGAACC[G>A]AAGACTCACCTGTACCAGATGTATTGGCGTAAAAATAATAAACGATCTGTAATCAAAAGA-3'

ClinVar aggregate classification (germline): Likely benign. Review status: criteria provided, single submitter (1 of 4 stars). 2 submissions from 2 submitters: Likely benign (1). 1 of the submissions does not count toward it. Last evaluated 2025-02-26.

Conditions:
NBAS-related disorder. Also called: NBAS-related condition.

Allele frequency attached by ClinVar (database versions not stated): gnomAD exomes 0.00001; TOPMed 0.00001; gnomAD 0.00001; ExAC 0.00002.
gnomAD v4.1: 17 of 1,604,274 alleles (0.0011%); highest among the groups gnomAD compares: South Asian, 0.0022%; no homozygotes.

Submissions (2):

Labcorp Genetics (formerly Invitae), Labcorp
Classification: Likely benign. Last evaluated: 2025-02-26. Review status: criteria provided, single submitter. Criteria: Invitae Variant Classification Sherloc (09022015). Collection method: clinical testing. Allele origin: germline.

PreventionGenetics, part of Exact Sciences
Classification: Uncertain significance for NBAS-related condition. Last evaluated: 2024-07-10. Review status: no assertion criteria provided. Collection method: clinical testing. Allele origin: germline. Not counted in ClinVar's aggregate classification.
Comment: The NBAS c.209+10C>T variant is predicted to interfere with splicing. To our knowledge, this variant has not been reported in the literature. This variant is reported in 0.0033% of alleles in individuals of South Asian descent in gnomAD. However, the use of computer prediction programs is not equivalent to functional evidence, and therefore the clinical significance of this variant is uncertain.